The following is an entry in ClinVar:

ClinVar aggregate classification (germline): Uncertain significance (1 of 4 stars; one submission).

Conditions:
Familial adenomatous polyposis 1 (FAP1). Also called: FAMILIAL ADENOMATOUS POLYPOSIS 1, ATTENUATED; POLYPOSIS, ADENOMATOUS INTESTINAL. Identifiers: MedGen C2713442, MONDO:0021056, OMIM 175100. Disease mechanism: loss of function.

Submission:

Labcorp Genetics (formerly Invitae), Labcorp
Classification: Uncertain significance for Familial adenomatous polyposis 1. Last evaluated: 2021-10-11. Review status: criteria provided, single submitter. Criteria: Invitae Variant Classification Sherloc (09022015). Collection method: clinical testing. Allele origin: germline.
Comment: This variant occurs in a non-coding region of the APC gene. It does not change the encoded amino acid sequence of the APC protein. The frequency data for this variant in the population databases is considered unreliable, as metrics indicate insufficient coverage at this position in the ExAC database. This variant has not been reported in the literature in individuals affected with APC-related conditions. Experimental studies and prediction algorithms are not available or were not evaluated, and the functional significance of this variant is currently unknown. In summary, the available evidence is currently insufficient to determine the role of this variant in disease. Therefore, it has been classified as a Variant of Uncertain Significance.

NC_000005.10:g.112707437C>T

Gene: APC (APC regulator of Wnt signaling pathway; plus strand). Cytogenetic location: 5q22.2.
Variant type: single nucleotide variant.
Genome position: GRCh38 VCF-style: chr5-112707437-C-T. GRCh37 (hg19) VCF-style: chr5-112043134-C-T.
Identifiers: ClinVar variation 1003220 (VCV001003220.2), dbSNP rs978748301, ClinGen allele CA1573442295.